The following is an entry in ClinVar:

NM_001042492.3(NF1):c.6022G>C (p.Asp2008His)

Gene: NF1 (neurofibromin 1; plus strand). Cytogenetic location: 17q11.2.
Variant type: single nucleotide variant.
Coding change: c.6022G>C on transcript NM_001042492.3 (MANE Select); coding-DNA position 6022, G replaced by C.
Protein change: p.Asp2008His; replaces aspartic acid 2008 with histidine.
Molecular consequence: missense variant.
Genome position (GRCh38, 1-based): chr17:31,336,348, G>C. VCF-style: chr17-31336348-G-C. GRCh37 (hg19) VCF-style: chr17-29663366-G-C.
Other names: c.5959G>C, p.Asp1987His (NM_000267.4); short protein forms D1987H, D2008H.
Identifiers: ClinVar variation 1048707 (VCV001048707.10), dbSNP rs786201924, ClinGen allele CA399011026.

ClinVar aggregate classification (germline): Pathogenic/Likely pathogenic. Review status: criteria provided, multiple submitters, no conflicts (2 of 4 stars). 4 submissions from 4 submitters: Pathogenic (1); Likely pathogenic (2). 1 of the submissions does not count toward it. Last evaluated 2025-09-02.

Conditions:
Neurofibromatosis, type 1 (NF1). Also called: Neurofibromatosis, type I; NEUROFIBROMATOSIS, TYPE I, SOMATIC; VON RECKLINGHAUSEN DISEASE; Peripheral type neurofibromatosis. Identifiers: Orphanet 636, MedGen C0027831, MONDO:0018975, OMIM 162200. Disease mechanism: loss of function.
NF1-related disorder. Also called: NF1-related condition. Identifiers: MedGen CN379171.

Submissions (4):

GeneDx
Classification: Likely pathogenic. Last evaluated: 2025-09-02. Review status: criteria provided, single submitter. Criteria: GeneDx Variant Classification Process June 2021. Collection method: clinical testing. Allele origin: germline.
Comment: Not observed at significant frequency in large population cohorts (gnomAD); In silico analysis supports that this missense variant has a deleterious effect on protein structure/function; Also known as c.6022G>C p.D2008H; This variant is associated with the following publications: (PMID: 37280783, 30308447)

Labcorp Genetics (formerly Invitae), Labcorp
Classification: Pathogenic for Neurofibromatosis, type 1. Last evaluated: 2023-11-13. Review status: criteria provided, single submitter. Criteria: Invitae Variant Classification Sherloc (09022015). Collection method: clinical testing. Allele origin: germline.
Comment: This sequence change replaces aspartic acid, which is acidic and polar, with histidine, which is basic and polar, at codon 1987 of the NF1 protein (p.Asp1987His). This variant is not present in population databases (gnomAD no frequency). This missense change has been observed in individual(s) with suspected neurofibromatosis type 1 (PMID: 30308447). In at least one individual the variant was observed to be de novo. This variant is also known as c.6022G>C (p.Asp2008His). ClinVar contains an entry for this variant (Variation ID: 1048707). Advanced modeling of protein sequence and biophysical properties (such as structural, functional, and spatial information, amino acid conservation, physicochemical variation, residue mobility, and thermodynamic stability) performed at Invitae indicates that this missense variant is expected to disrupt NF1 protein function with a positive predictive value of 95%. This variant disrupts the p.Asp1987 amino acid residue in NF1. Other variant(s) that disrupt this residue have been determined to be pathogenic (Invitae; External communication). This suggests that this residue is clinically significant, and that variants that disrupt this residue are likely to be disease-causing. For these reasons, this variant has been classified as Pathogenic.

Blueprint Genetics
Classification: Likely pathogenic for NF1-related disorders. Last evaluated: 2022-04-04. Review status: criteria provided, single submitter. Criteria: ACMG Guidelines, 2015. Collection method: clinical testing. Allele origin: germline. Affected: yes. Observed: 2 variant alleles.

Laboratory of Medical Genetics, National & Kapodistrian University of Athens
Classification: Likely pathogenic for Neurofibromatosis, type 1. Last evaluated: 2019-01-01. Review status: no assertion criteria provided. Collection method: clinical testing. Allele origin: germline. Affected: yes. Not counted in ClinVar's aggregate classification.

Literature cited by the submitters: PubMed 30308447 (cited by Labcorp Genetics (formerly Invitae), Labcorp).